The following is an entry in ClinVar:

NM_006767.4(LZTR1):c.863C>T (p.Thr288Ile)

Gene: LZTR1 (leucine zipper like post translational regulator 1; plus strand). Cytogenetic location: 22q11.21.
Variant type: single nucleotide variant.
Coding change: c.863C>T on transcript NM_006767.4 (MANE Select); coding-DNA position 863, C replaced by T.
Protein change: p.Thr288Ile; replaces threonine 288 with isoleucine.
Molecular consequence: missense variant.
Genome position (GRCh38, 1-based): chr22:20,991,699, C>T. VCF-style: chr22-20991699-C-T. GRCh37 (hg19) VCF-style: chr22-21345988-C-T.
Other names: short protein forms T288I.
Identifiers: ClinVar variation 1878829 (VCV001878829.5), dbSNP rs2518617122, ClinGen allele CA410781287.

ClinVar aggregate classification (germline): Uncertain significance. Review status: criteria provided, multiple submitters, no conflicts (2 of 4 stars). 3 submissions from 3 submitters: Uncertain significance (3). Last evaluated 2026-06-04.

Conditions:
LZTR1-related schwannomatosis. Also called: Schwannomatosis 2; Schwannomatosis-2, susceptibility to. Identifiers: Orphanet 93921, MedGen C3810283, MONDO:0014299, OMIM 615670.

Submissions (3):

Helix
Classification: Uncertain significance for LZTR1-related schwannomatosis. Last evaluated: 2026-06-04. Review status: criteria provided, single submitter. Criteria: ACMG Guidelines, 2015. Collection method: clinical testing. Allele origin: germline. Inheritance: Autosomal dominant inheritance.
Comment: This variant (NM_006767.4:c.863C>T p.Thr288Ile) results in the substitution of threonine with isoleucine at codon 288 in the LZTR1 protein. It is a rare variant that is absent from the large gnomAD population database (v4.1). To our knowledge, this variant has not been reported in individuals with LZTR1-related conditions in the published literature. Studies assessing protein function for a variant with the same protein-level nomenclature are either insufficient or inconclusive (PMID: 30442766). This variant is present in ClinVar (Accession: VCV001878829.4). In conclusion, since the available evidence is limited, the clinical significance of this variant is unclear at this time. Therefore, it is classified as a Variant of Uncertain Significance.

Labcorp Genetics (formerly Invitae), Labcorp
Classification: Uncertain significance. Last evaluated: 2023-10-30. Review status: criteria provided, single submitter. Criteria: Invitae Variant Classification Sherloc (09022015). Collection method: clinical testing. Allele origin: germline.
Comment: This sequence change replaces threonine, which is neutral and polar, with isoleucine, which is neutral and non-polar, at codon 288 of the LZTR1 protein (p.Thr288Ile). This variant is not present in population databases (gnomAD no frequency). This variant has not been reported in the literature in individuals affected with LZTR1-related conditions. ClinVar contains an entry for this variant (Variation ID: 1878829). Advanced modeling of protein sequence and biophysical properties (such as structural, functional, and spatial information, amino acid conservation, physicochemical variation, residue mobility, and thermodynamic stability) performed at Invitae indicates that this missense variant is not expected to disrupt LZTR1 protein function with a negative predictive value of 80%. In summary, the available evidence is currently insufficient to determine the role of this variant in disease. Therefore, it has been classified as a Variant of Uncertain Significance.

GeneDx
Classification: Uncertain significance. Last evaluated: 2022-07-15. Review status: criteria provided, single submitter. Criteria: GeneDx Variant Classification Process June 2021. Collection method: clinical testing. Allele origin: germline. Affected: yes.
Comment: Published functional studies suggest a damaging effect by reduction in protein function (Bigenzahn et al., 2018); Not observed at significant frequency in large population cohorts (gnomAD); In silico analysis supports that this missense variant has a deleterious effect on protein structure/function; Has not been previously reported as a pathogenic or benign germline variant to our knowledge; This variant is associated with the following publications: (PMID: 30442766, 23917401)